The following is an entry in ClinVar:

NM_020937.4(FANCM):c.448C>T (p.Gln150Ter)

Gene: FANCM (FA complementation group M; plus strand). Cytogenetic location: 14q21.2.
Variant type: single nucleotide variant.
Coding change: c.448C>T on transcript NM_020937.4 (MANE Select); coding-DNA position 448, C replaced by T.
Protein change: p.Gln150Ter; replaces glutamine 150 with a stop codon.
Molecular consequence: nonsense.
Genome position (GRCh38, 1-based): chr14:45,136,479, C>T. VCF-style: chr14-45136479-C-T. GRCh37 (hg19) VCF-style: chr14-45605682-C-T.
Other names: c.448C>T, p.Gln150Ter (NM_001308133.2, NM_001308134.2); short protein forms Q150*.
Identifiers: ClinVar variation 2137578 (VCV002137578.4), dbSNP rs2139103778, ClinGen allele CA389588306.

ClinVar aggregate classification (germline): Pathogenic (1 of 4 stars; one submission).

Conditions:
Fanconi anemia (FA). Also called: Fanconi's anemia. Identifiers: Orphanet 84, MedGen C0015625, MeSH D005199, MONDO:0019391.

Submission:

Labcorp Genetics (formerly Invitae), Labcorp
Classification: Pathogenic for Fanconi anemia. Last evaluated: 2022-01-02. Review status: criteria provided, single submitter. Criteria: Invitae Variant Classification Sherloc (09022015). Collection method: clinical testing. Allele origin: germline.
Comment: For these reasons, this variant has been classified as Pathogenic. This premature translational stop signal has been observed in individual(s) with ovarian cancer (PMID: 28881617). This variant is not present in population databases (gnomAD no frequency). This sequence change creates a premature translational stop signal (p.Gln150*) in the FANCM gene. It is expected to result in an absent or disrupted protein product. Loss-of-function variants in FANCM are known to be pathogenic (PMID: 29895858, 30075111).

Literature cited by the submitters: PubMed 28881617; PubMed 29895858; PubMed 30075111.